The following is an entry in ClinVar:

ClinVar aggregate classification (germline): not provided (0 of 4 stars; one submission).

Conditions:
Severe myoclonic epilepsy in infancy (DRVT). Also called: SEVERE MYOCLONIC EPILEPSY OF INFANCY; DEVELOPMENTAL AND EPILEPTIC ENCEPHALOPATHY 6A; Severe Myoclonic Epilepsy in Infancy (SMEI); Dravet syndrome; Epileptic encephalopathy, early infantile, 6 (Dravet syndrome). Identifiers: Orphanet 33069, MedGen C0751122, MONDO:0100135, OMIM 607208.

Submission:

UniProtKB/Swiss-Prot
No classification provided. Condition: Severe myoclonic epilepsy in infancy. Review status: no classification provided. Collection method: not provided. Allele origin: unknown.

NM_001165963.4(SCN1A):c.596C>G (p.Thr199Arg)

Gene: SCN1A (sodium voltage-gated channel alpha subunit 1; minus strand). Cytogenetic location: 2q24.3.
Variant type: single nucleotide variant.
Coding change: c.596C>G on transcript NM_001165963.4 (MANE Select); coding-DNA position 596, C replaced by G.
Protein change: p.Thr199Arg; replaces threonine 199 with arginine.
Molecular consequence: missense variant. On other transcripts: 5 prime UTR variant (1), non-coding transcript variant (1).
Genome position (GRCh38, 1-based): chr2:166,054,644, G>C on the plus strand (C>G on the coding strand, the complement: SCN1A is on the minus strand). VCF-style: chr2-166054644-G-C. GRCh37 (hg19) VCF-style: chr2-166911154-G-C.
Other names: c.596C>G, p.Thr199Arg (NM_001165964.3, NM_001202435.3, NM_001353948.2 and 10 more transcripts); c.-1830C>G (NM_001353961.2); short protein forms T199R.
Identifiers: ClinVar variation 68576 (VCV000068576.1), dbSNP rs121917983, ClinGen allele CA285036.